The following is an entry in ClinVar:

NM_000180.4(GUCY2D):c.730A>C (p.Met244Leu)

Gene: GUCY2D (guanylate cyclase 2D, retinal; plus strand). Cytogenetic location: 17p13.1.
Variant type: single nucleotide variant.
Coding change: c.730A>C on transcript NM_000180.4 (MANE Select); coding-DNA position 730, A replaced by C.
Protein change: p.Met244Leu; replaces methionine 244 with leucine.
Molecular consequence: missense variant.
Genome position (GRCh38, 1-based): chr17:8,003,860, A>C. VCF-style: chr17-8003860-A-C. GRCh37 (hg19) VCF-style: chr17-7907178-A-C.
Other names: short protein forms M244L.
Identifiers: ClinVar variation 859374 (VCV000859374.10), dbSNP rs141956583, ClinGen allele CA8365560.
Genomic context (GRCh38, chr17:8,003,860, plus strand): 5'-GCTGGTCCTGCCGGCAGCCGGACGGCGCCGCGAGCCAAGCCTCTGTCCGCAGCAGTGATC[A>C]TGGTGATGCACTCGGTGCTGCTGGGTGGCGAGGAGCAGCGCTACCTCCTGGAGGCCGCAG-3'
Protein context (NP_000171.1, residues 234-254): RDGPRVTAVI[Met244Leu]VMHSVLLGGE

ClinVar aggregate classification (germline): Likely benign. Review status: criteria provided, multiple submitters, no conflicts (2 of 4 stars). 3 submissions from 3 submitters: Likely benign (3). Last evaluated 2025-12-23.

Conditions:
GUCY2D-related disorder. Also called: GUCY2D-related condition.
Leber congenital amaurosis 1 (LCA1). Also called: AMAUROSIS CONGENITA OF LEBER I; Congenital absence of the rods and cones; Leber's congenital tapetoretinal degeneration; Leber's congenital tapetoretinal dysplasia; RETINAL BLINDNESS, CONGENITAL. Identifiers: Orphanet 65, MedGen C2931258, MONDO:0008764, OMIM 204000.
Cone-rod dystrophy 6 (CORD6). Also called: Cone dystrophy progressive; RETINAL CONE DYSTROPHY 2. Identifiers: Orphanet 1872, MedGen C1866293, MONDO:0011143, OMIM 601777.

Allele frequency attached by ClinVar (database versions not stated): ExAC 0.00017; TOPMed 0.00043; gnomAD 0.00044 and 0.00049; 1000 Genomes Project 0.00060; 1000 Genomes Project 30x 0.00078; ESP Exome Variant Server 0.00092.
gnomAD v4.1: 131 of 1,612,226 alleles (0.0081%); highest among the groups gnomAD compares: African/African-American, 0.16%; 1 homozygote.

Submissions (3):

Labcorp Genetics (formerly Invitae), Labcorp
Classification: Likely benign for Leber congenital amaurosis 1; Cone-rod dystrophy 6. Last evaluated: 2025-12-23. Review status: criteria provided, single submitter. Criteria: Invitae Variant Classification Sherloc (09022015). Collection method: clinical testing. Allele origin: germline.

PreventionGenetics, part of Exact Sciences
Classification: Likely benign for GUCY2D-related condition. Last evaluated: 2025-01-30. Review status: criteria provided, single submitter. Criteria: ACMG Guidelines, 2015. Collection method: clinical testing. Allele origin: germline.
Comment: This variant is classified as likely benign based on ACMG/AMP sequence variant interpretation guidelines (Richards et al. 2015 PMID: 25741868, with internal and published modifications).

Blueprint Genetics
Classification: Likely benign. Last evaluated: 2022-11-07. Review status: criteria provided, single submitter. Criteria: ACMG Guidelines, 2015. Collection method: clinical testing. Allele origin: germline.